The following is an entry in ClinVar:

NM_007317.3(KIF22):c.1792G>T (p.Glu598Ter)

Gene: KIF22 (kinesin family member 22; plus strand). Cytogenetic location: 16p11.2.
Variant type: single nucleotide variant.
Coding change: c.1792G>T on transcript NM_007317.3 (MANE Select); coding-DNA position 1792, G replaced by T.
Protein change: p.Glu598Ter; replaces glutamic acid 598 with a stop codon.
Molecular consequence: nonsense.
Genome position (GRCh38, 1-based): chr16:29,804,928, G>T. VCF-style: chr16-29804928-G-T. GRCh37 (hg19) VCF-style: chr16-29816249-G-T.
Other names: c.1588G>T, p.Glu530Ter (NM_001256269.2, NM_001256270.1); short protein forms E530*, E598*.
Identifiers: ClinVar variation 2112261 (VCV002112261.4), dbSNP rs1476270968, ClinGen allele CA395462546.

ClinVar aggregate classification (germline): Uncertain significance (1 of 4 stars; one submission).

Submission:

Labcorp Genetics (formerly Invitae), Labcorp
Classification: Uncertain significance. Last evaluated: 2022-03-14. Review status: criteria provided, single submitter. Criteria: Invitae Variant Classification Sherloc (09022015). Collection method: clinical testing. Allele origin: germline.
Comment: In summary, the available evidence is currently insufficient to determine the role of this variant in disease. Therefore, it has been classified as a Variant of Uncertain Significance. This variant has not been reported in the literature in individuals affected with KIF22-related conditions. This variant is present in population databases (no rsID available, gnomAD 0.009%). This sequence change creates a premature translational stop signal (p.Glu598*) in the KIF22 gene. It is expected to result in an absent or disrupted protein product. However, the current clinical and genetic evidence is not sufficient to establish whether loss-of-function variants in KIF22 cause disease.